The following is an entry in ClinVar:

ClinVar aggregate classification (germline): Uncertain significance (1 of 4 stars; one submission).

Submission:

Ambry Genetics
Classification: Uncertain significance. Last evaluated: 2026-03-15. Review status: criteria provided, single submitter. Criteria: Ambry Variant Classification Scheme 2023. Collection method: clinical testing. Allele origin: germline.
Comment: The p.D1272H variant (also known as c.3814G>C), located in coding exon 16 of the WNK2 gene, results from a G to C substitution at nucleotide position 3814. The aspartic acid at codon 1272 is replaced by histidine, an amino acid with similar properties. This amino acid position is conserved. In addition, the in silico prediction for this alteration is inconclusive. Based on the available evidence, the clinical significance of this variant remains unclear.

NM_006648.4(WNK2):c.3814G>C (p.Asp1272His)

Gene: WNK2 (WNK lysine deficient protein kinase 2; plus strand). Cytogenetic location: 9q22.31.
Variant type: single nucleotide variant.
Coding change: c.3814G>C on transcript NM_006648.4 (MANE Select); coding-DNA position 3814, G replaced by C.
Protein change: p.Asp1272His; replaces aspartic acid 1272 with histidine.
Molecular consequence: missense variant.
Genome position (GRCh38, 1-based): chr9:93,267,863, G>C. VCF-style: chr9-93267863-G-C. GRCh37 (hg19) VCF-style: chr9-96030145-G-C.
Other names: c.3814G>C, p.Asp1272His (NM_001282394.3); short protein forms D1272H.
Identifiers: ClinVar variation 4866512 (VCV004866512.1).